The following is an entry in ClinVar:

ClinVar aggregate classification (germline): Uncertain significance (1 of 4 stars; one submission).

Submission:

CeGaT Center for Human Genetics Tuebingen
Classification: Uncertain significance. Last evaluated: 2024-10-01. Review status: criteria provided, single submitter. Criteria: CeGaT Center For Human Genetics Tuebingen Variant Classification Criteria Version 2. Collection method: clinical testing. Allele origin: germline. Affected: yes. Observed: 1 variant allele.
Comment: CHD1: PM4:Supporting

NM_001270.4(CHD1):c.4011GAA[1] (p.Lys1338del)

Gene: CHD1 (chromodomain helicase DNA binding protein 1; minus strand). Cytogenetic location: 5q15.
Variant type: Microsatellite.
Coding change: c.4011GAA[1] on transcript NM_001270.4 (MANE Select); one copy of the 3-base unit GAA starting at c.4011; the reference has two copies in a row; one copy, 3 bases deleted.
Protein change: p.Lys1338del; deletes lysine 1338.
Molecular consequence: inframe deletion. On other transcripts: non-coding transcript variant (2).
Genome position (GRCh38, 1-based): chr5:98,869,845-98,869,847, TTC deleted on the plus strand (GAA on the coding strand, the reverse complement: CHD1 is on the minus strand); deleting any 3 consecutive bases within chr5:98,869,845-98,869,852 gives the same sequence; the position shown is the placement nearest the transcript's 3' end. VCF-style (leftmost placement, unchanged base first): chr5-98869844-ATTC-A. GRCh37 (hg19) VCF-style: chr5-98205548-ATTC-A.
Other names: c.4011GAA[1], p.Lys1338del (NM_001376194.2, NM_001364113.3); short protein forms K1338del.
Identifiers: ClinVar variation 3389149 (VCV003389149.14).